The following is an entry in ClinVar:

NM_000639.3(FASLG):c.179C>T (p.Pro60Leu)

Gene: FASLG (Fas ligand; plus strand). Cytogenetic location: 1q24.3.
Variant type: single nucleotide variant.
Coding change: c.179C>T on transcript NM_000639.3 (MANE Select); coding-DNA position 179, C replaced by T.
Protein change: p.Pro60Leu; replaces proline 60 with leucine.
Molecular consequence: missense variant.
Genome position (GRCh38, 1-based): chr1:172,659,380, C>T. VCF-style: chr1-172659380-C-T. GRCh37 (hg19) VCF-style: chr1-172628520-C-T.
Other names: c.179C>T, p.Pro60Leu (NM_001302746.2); c.179C>T (NM_000639.1); short protein forms P60L.
Identifiers: ClinVar variation 1040181 (VCV001040181.4), dbSNP rs780144691, ClinGen allele CA1247471.

ClinVar aggregate classification (germline): Uncertain significance. Review status: criteria provided, multiple submitters, no conflicts (2 of 4 stars). 2 submissions from 2 submitters: Uncertain significance (2). Last evaluated 2024-05-24.

Conditions:
Autoimmune lymphoproliferative syndrome type 1. Also called: AUTOIMMUNE LYMPHOPROLIFERATIVE SYNDROME, TYPE I, AUTOSOMAL DOMINANT. Identifiers: Orphanet 3261, MedGen C2717884, MONDO:0011158, OMIM 601859.

Allele frequency attached by ClinVar (database versions not stated): gnomAD 0.00003; gnomAD exomes 0.00004 and 0.00005; TOPMed 0.00003; ExAC 0.00004.
gnomAD v4.1: 57 of 1,611,088 alleles (0.0035%); highest among the groups gnomAD compares: South Asian, 0.02%; 1 homozygote.

Submissions (2):

Ambry Genetics
Classification: Uncertain significance. Last evaluated: 2024-05-24. Review status: criteria provided, single submitter. Criteria: Ambry Variant Classification Scheme 2023. Collection method: clinical testing. Allele origin: germline.

Labcorp Genetics (formerly Invitae), Labcorp
Classification: Uncertain significance for Autoimmune lymphoproliferative syndrome. Last evaluated: 2022-09-01. Review status: criteria provided, single submitter. Criteria: Invitae Variant Classification Sherloc (09022015). Collection method: clinical testing. Allele origin: germline.
Comment: In summary, the available evidence is currently insufficient to determine the role of this variant in disease. Therefore, it has been classified as a Variant of Uncertain Significance. Algorithms developed to predict the effect of missense changes on protein structure and function are either unavailable or do not agree on the potential impact of this missense change (SIFT: "Deleterious"; PolyPhen-2: "Benign"; Align-GVGD: "Class C0"). ClinVar contains an entry for this variant (Variation ID: 1040181). This variant has not been reported in the literature in individuals affected with FASLG-related conditions. This variant is present in population databases (rs780144691, gnomAD 0.02%), including at least one homozygous and/or hemizygous individual. This sequence change replaces proline, which is neutral and non-polar, with leucine, which is neutral and non-polar, at codon 60 of the FASLG protein (p.Pro60Leu).